The following is an entry in ClinVar:

NM_024301.5(FKRP):c.1034G>C (p.Gly345Ala)

Gene: FKRP (fukutin related protein; plus strand). Cytogenetic location: 19q13.32.
Variant type: single nucleotide variant.
Coding change: c.1034G>C on transcript NM_024301.5 (MANE Select); coding-DNA position 1034, G replaced by C.
Protein change: p.Gly345Ala; replaces glycine 345 with alanine.
Molecular consequence: missense variant.
Genome position (GRCh38, 1-based): chr19:46,756,484, G>C. VCF-style: chr19-46756484-G-C. GRCh37 (hg19) VCF-style: chr19-47259741-G-C.
Other names: c.1034G>C, p.Gly345Ala (NM_001039885.3); short protein forms G345A.
Identifiers: ClinVar variation 1180733 (VCV001180733.4), dbSNP rs1249694833, ClinGen allele CA406496517.

ClinVar aggregate classification (germline): Pathogenic/Likely pathogenic. Review status: criteria provided, multiple submitters, no conflicts (2 of 4 stars). 3 submissions from 3 submitters: Pathogenic (1); Likely pathogenic (2). Last evaluated 2026-03-27.

Conditions:
Autosomal recessive limb-girdle muscular dystrophy. Identifiers: Orphanet 102015, MedGen C2931907, MONDO:0015152.
Walker-Warburg congenital muscular dystrophy. Also called: Muscular dystrophy-dystroglycanopathy, type A; Walker-Warburg syndrome. Identifiers: Orphanet 899, MedGen C0265221, MONDO:0000171.
Abnormality of the musculature. Identifiers: MedGen C4021745, HP:0003011.

Allele frequency attached by ClinVar (database versions not stated): gnomAD exomes 0.00001 and below 0.00001.
gnomAD v4.1: 2 of 1,545,842 alleles (0.00013%); highest among the groups gnomAD compares: South Asian, 0.0012%; no homozygotes.

Submissions (3):

Women's Health and Genetics/Laboratory Corporation of America, LabCorp
Classification: Likely pathogenic for Autosomal recessive limb-girdle muscular dystrophy. Last evaluated: 2026-03-27. Review status: criteria provided, single submitter. Criteria: LabCorp Variant Classification Summary - May 2015. Collection method: clinical testing. Allele origin: germline.
Comment: Variant summary: FKRP c.1034G>C (p.Gly345Ala) results in a non-conservative amino acid change in the encoded protein sequence. Algorithms developed to predict the effect of missense changes on protein structure and function all suggest that this variant is likely to be disruptive. The variant allele was found at a frequency of 7e-06 in 142008 control chromosomes. c.1034G>C has been observed in individuals with clinical features of alpha-dystroglycanopathy and/or limb-girdle muscular dystrophy (example: Abolhassani_2024, Molaei_2025, internal data). These data indicate that the FKRP variant may be associated with disease. To our knowledge, no experimental evidence demonstrating an impact on protein function has been reported. The following publications have been ascertained in the context of this evaluation (PMID: 38374194, 41315541). ClinVar contains an entry for this variant (Variation ID: 1180733). Based on the evidence outlined above, the variant was classified as likely pathogenic.

Labcorp Genetics (formerly Invitae), Labcorp
Classification: Pathogenic for Walker-Warburg congenital muscular dystrophy. Last evaluated: 2025-04-10. Review status: criteria provided, single submitter. Criteria: Invitae Variant Classification Sherloc (09022015). Collection method: clinical testing. Allele origin: germline.
Comment: This sequence change replaces glycine, which is neutral and non-polar, with alanine, which is neutral and non-polar, at codon 345 of the FKRP protein (p.Gly345Ala). This variant is present in population databases (no rsID available, gnomAD 0.005%). This missense change has been observed in individual(s) with clinical features of alpha-dystroglycanopathy and/or limb-girdle muscular dystrophy (PMID: 38374194; internal data). ClinVar contains an entry for this variant (Variation ID: 1180733). Invitae Evidence Modeling of protein sequence and biophysical properties (such as structural, functional, and spatial information, amino acid conservation, physicochemical variation, residue mobility, and thermodynamic stability) indicates that this missense variant is expected to disrupt FKRP protein function with a positive predictive value of 95%. This variant disrupts the p.Gly345 amino acid residue in FKRP. Other variant(s) that disrupt this residue have been determined to be pathogenic (PMID: 37516995; internal data). This suggests that this residue is clinically significant, and that variants that disrupt this residue are likely to be disease-causing. For these reasons, this variant has been classified as Pathogenic.

Kariminejad - Najmabadi Pathology & Genetics Center
Classification: Likely pathogenic for Abnormality of the musculature. Last evaluated: 2021-07-10. Review status: criteria provided, single submitter. Criteria: ACMG Guidelines, 2015. Collection method: clinical testing. Allele origin: germline. Affected: yes.

Literature cited by the submitters: PubMed 38374194 (cited by Women's Health and Genetics/Laboratory Corporation of America, LabCorp and Labcorp Genetics (formerly Invitae), Labcorp); PubMed 41315541 (cited by Women's Health and Genetics/Laboratory Corporation of America, LabCorp); PubMed 37516995 (cited by Labcorp Genetics (formerly Invitae), Labcorp).